The following is an entry in ClinVar:

NM_000350.3(ABCA4):c.5032G>A (p.Val1678Met)

Gene: ABCA4 (ATP binding cassette subfamily A member 4; minus strand). Cytogenetic location: 1p22.1.
Variant type: single nucleotide variant.
Coding change: c.5032G>A on transcript NM_000350.3 (MANE Select); coding-DNA position 5032, G replaced by A.
Protein change: p.Val1678Met; replaces valine 1678 with methionine.
Molecular consequence: missense variant.
Genome position (GRCh38, 1-based): chr1:94,019,746, C>T on the plus strand (G>A on the coding strand, the complement: ABCA4 is on the minus strand). VCF-style: chr1-94019746-C-T. GRCh37 (hg19) VCF-style: chr1-94485302-C-T.
Other names: c.4810G>A, p.Val1604Met (NM_001425324.1); short protein forms V1678M, V1604M.
Identifiers: ClinVar variation 858338 (VCV000858338.7), dbSNP rs1659845637, ClinGen allele CA341282854.

ClinVar aggregate classification (germline): Uncertain significance (1 of 4 stars; one submission).

Allele frequency attached by ClinVar (database versions not stated): gnomAD 0.00001.
gnomAD v4.1: 1 of 1,612,536 alleles (0.000062%); highest among the groups gnomAD compares: Admixed American, 0.0017%; no homozygotes.

Submission:

Labcorp Genetics (formerly Invitae), Labcorp
Classification: Uncertain significance. Last evaluated: 2021-08-31. Review status: criteria provided, single submitter. Criteria: Invitae Variant Classification Sherloc (09022015). Collection method: clinical testing. Allele origin: germline.
Comment: This sequence change replaces valine with methionine at codon 1678 of the ABCA4 protein (p.Val1678Met). The valine residue is highly conserved and there is a small physicochemical difference between valine and methionine. This variant is not present in population databases (ExAC no frequency). This variant has not been reported in the literature in individuals affected with ABCA4-related conditions. Algorithms developed to predict the effect of missense changes on protein structure and function are either unavailable or do not agree on the potential impact of this missense change (SIFT: "Deleterious"; PolyPhen-2: "Probably Damaging"; Align-GVGD: "Class C0"). In summary, the available evidence is currently insufficient to determine the role of this variant in disease. Therefore, it has been classified as a Variant of Uncertain Significance.